The following is an entry in ClinVar:

ClinVar aggregate classification (germline): Benign/Likely benign. Review status: criteria provided, multiple submitters, no conflicts (2 of 4 stars). 5 submissions from 5 submitters: Benign (1); Likely benign (3). 1 of the submissions does not count toward it. Last evaluated 2026-09-01.

Conditions:
KATNIP-related disorder. Also called: KATNIP-related condition.

Allele frequency attached by ClinVar (database versions not stated): 1000 Genomes Project 0.00060; 1000 Genomes Project 30x 0.00062; gnomAD 0.00220 and 0.00232; gnomAD exomes 0.00222 and 0.00286; TOPMed 0.00226; ExAC 0.00258; ESP Exome Variant Server 0.00277.
gnomAD v4.1: 4,494 of 1,614,166 alleles (0.28%); highest among the groups gnomAD compares: Non-Finnish European, 0.33%; 8 homozygotes.

Submissions (5):

CeGaT Center for Human Genetics Tuebingen
Classification: Likely benign. Last evaluated: 2026-09-01. Review status: criteria provided, single submitter. Criteria: CeGaT Center For Human Genetics Tuebingen Variant Classification Criteria Version 2. Collection method: clinical testing. Allele origin: germline. Affected: yes. Observed: 6 variant alleles.
Comment: KATNIP: BP4, BP7

Labcorp Genetics (formerly Invitae), Labcorp
Classification: Benign. Last evaluated: 2026-01-05. Review status: criteria provided, single submitter. Criteria: Invitae Variant Classification Sherloc (09022015). Collection method: clinical testing. Allele origin: germline.

Blueprint Genetics
Classification: Likely benign. Last evaluated: 2024-11-19. Review status: criteria provided, single submitter. Criteria: ACMG Guidelines, 2015. Collection method: clinical testing. Allele origin: germline.

Breakthrough Genomics
Classification: Likely benign. Review status: criteria provided, single submitter. Criteria: ACMG Guidelines, 2015. Collection method: not provided. Allele origin: germline. Inheritance: Autosomal recessive inheritance. Affected: yes.

PreventionGenetics, part of Exact Sciences
Classification: Likely benign for KATNIP-related condition. Last evaluated: 2019-05-09. Review status: no assertion criteria provided. Collection method: clinical testing. Allele origin: germline. Not counted in ClinVar's aggregate classification.
Comment: This variant is classified as likely benign based on ACMG/AMP sequence variant interpretation guidelines (Richards et al. 2015 PMID: 25741868, with internal and published modifications).

NM_015202.5(KATNIP):c.2277C>T (p.Pro759=)

Gene: KATNIP (katanin interacting protein; plus strand). Cytogenetic location: 16p12.1.
Variant type: single nucleotide variant.
Coding change: c.2277C>T on transcript NM_015202.5 (MANE Select); coding-DNA position 2277, C replaced by T.
Protein change: p.Pro759=; no amino-acid change (proline 759 retained).
Molecular consequence: synonymous variant.
Genome position (GRCh38, 1-based): chr16:27,740,574, C>T. VCF-style: chr16-27740574-C-T. GRCh37 (hg19) VCF-style: chr16-27751895-C-T.
Other names: c.2277C>T (NM_015202.3).
Identifiers: ClinVar variation 725960 (VCV000725960.47), dbSNP rs149945532, ClinGen allele CA7977933.